The following is an entry in ClinVar:

NM_001370298.3(FGD4):c.2560G>T (p.Val854Leu)

Gene: FGD4 (FYVE, RhoGEF and PH domain containing 4; plus strand). Cytogenetic location: 12p11.21.
Variant type: single nucleotide variant.
Coding change: c.2560G>T on transcript NM_001370298.3 (MANE Select); coding-DNA position 2560, G replaced by T.
Protein change: p.Val854Leu; replaces valine 854 with leucine.
Molecular consequence: missense variant.
Genome position (GRCh38, 1-based): chr12:32,640,381, G>T. VCF-style: chr12-32640381-G-T. GRCh37 (hg19) VCF-style: chr12-32793315-G-T.
Other names: c.2149G>T (NM_139241.2); c.2404G>T, p.Val802Leu (NM_001304481.2); c.1117G>T, p.Val373Leu (NM_001304484.2); c.1870G>T, p.Val624Leu (NM_001330373.2, NM_001330374.2, NM_001384130.1); c.1597G>T, p.Val533Leu (NM_001370297.1); c.2560G>T, p.Val854Leu (NM_001384126.1); c.2149G>T, p.Val717Leu (NM_001384127.1, NM_001384128.1, NM_001385118.1 and 1 more transcripts); short protein forms V373L, V624L, V717L, V802L, V533L, V854L.
Identifiers: ClinVar variation 859917 (VCV000859917.6), dbSNP rs61753359, ClinGen allele CA235247950.

ClinVar aggregate classification (germline): Uncertain significance. Review status: criteria provided, multiple submitters, no conflicts (2 of 4 stars). 2 submissions from 2 submitters: Uncertain significance (2). Last evaluated 2022-07-05.

Conditions:
Charcot-Marie-Tooth disease type 4. Also called: Charcot-Marie-Tooth disease, type IV; Charcot-Marie-Tooth, Type 4. Identifiers: Orphanet 64749, MedGen C4082197, MONDO:0018995.

Allele frequency attached by ClinVar (database versions not stated): TOPMed 0.00002.
gnomAD v4.1: 14 of 1,614,064 alleles (0.00087%); highest among the groups gnomAD compares: Middle Eastern, 0.016%; no homozygotes.

Submissions (2):

Labcorp Genetics (formerly Invitae), Labcorp
Classification: Uncertain significance for Charcot-Marie-Tooth disease type 4. Last evaluated: 2022-07-05. Review status: criteria provided, single submitter. Criteria: Invitae Variant Classification Sherloc (09022015). Collection method: clinical testing. Allele origin: germline.
Comment: This sequence change replaces valine, which is neutral and non-polar, with leucine, which is neutral and non-polar, at codon 717 of the FGD4 protein (p.Val717Leu). This variant is present in population databases (no rsID available, gnomAD 0.003%). This variant has not been reported in the literature in individuals affected with FGD4-related conditions. ClinVar contains an entry for this variant (Variation ID: 859917). Algorithms developed to predict the effect of missense changes on protein structure and function are either unavailable or do not agree on the potential impact of this missense change (SIFT: "Deleterious"; PolyPhen-2: "Benign"; Align-GVGD: "Class C25"). In summary, the available evidence is currently insufficient to determine the role of this variant in disease. Therefore, it has been classified as a Variant of Uncertain Significance.

GeneDx
Classification: Uncertain significance. Last evaluated: 2019-08-08. Review status: criteria provided, single submitter. Criteria: GeneDx Variant Classification Process June 2021. Collection method: clinical testing. Allele origin: germline. Affected: yes.
Comment: Not observed at a significant frequency in large population cohorts (Lek et al., 2016); In silico analysis, which includes protein predictors and evolutionary conservation, supports that this variant does not alter protein structure/function; Has not been previously published as pathogenic or benign to our knowledge